The following is an entry in ClinVar:

NM_003611.3(OFD1):c.1099C>G (p.Arg367Gly)

Gene: OFD1 (OFD1 centriole and centriolar satellite protein; plus strand). Cytogenetic location: Xp22.2.
Variant type: single nucleotide variant.
Coding change: c.1099C>G on transcript NM_003611.3 (MANE Select); coding-DNA position 1099, C replaced by G.
Protein change: p.Arg367Gly; replaces arginine 367 with glycine.
Molecular consequence: missense variant.
Genome position (GRCh38, 1-based): chrX:13,753,411, C>G. VCF-style: chrX-13753411-C-G. GRCh37 (hg19) VCF-style: chrX-13771530-C-G.
Other names: c.979C>G, p.Arg327Gly (NM_001330209.2); c.679C>G, p.Arg227Gly (NM_001330210.2); short protein forms R367G, R327G, R227G.
Identifiers: ClinVar variation 496921 (VCV000496921.8), dbSNP rs312262863, ClinGen allele CA412341822.
Genomic context (GRCh38, chrX:13,753,411, plus strand): 5'-GTCATTCTGATTCTCAGGTATCAACTTGAACTGAAGGATGACTACATCATTAGAACTAAT[C>G]GACTGATTGAAGATGAAAGGAAGAATAAAGGTGATGTTTGGGGGGAAAATAAGCTGTATT-3'
Protein context (NP_003602.1, residues 357-377): LKDDYIIRTN[Arg367Gly]LIEDERKNKE

ClinVar aggregate classification (germline): Uncertain significance. Review status: criteria provided, multiple submitters, no conflicts (2 of 4 stars). 3 submissions from 3 submitters: Uncertain significance (3). Last evaluated 2026-08-07.

Conditions:
OFD1-related disorder. Also called: OFD1-related condition.

Allele frequency attached by ClinVar (database versions not stated): TOPMed below 0.00001; gnomAD 0.00001.
gnomAD v4.1: 1 of 1,207,185 alleles (0.000083%); highest among the groups gnomAD compares: African/African-American, 0.0018%; no homozygotes.

Submissions (3):

PreventionGenetics, part of Exact Sciences
Classification: Uncertain significance for OFD1-related condition. Last evaluated: 2026-08-07. Review status: criteria provided, single submitter. Criteria: ACMG Guidelines, 2015. Collection method: clinical testing. Allele origin: germline.
Comment: The OFD1 c.1099C>G variant is predicted to result in the amino acid substitution p.Arg367Gly. To our knowledge, this variant has not been reported in the literature or in a large population database (gnomAD), indicating this variant is rare. At this time, the clinical significance of this variant is uncertain due to the absence of conclusive functional and genetic evidence.

GeneDx
Classification: Uncertain significance. Last evaluated: 2021-06-08. Review status: criteria provided, single submitter. Criteria: GeneDx Variant Classification Process June 2021. Collection method: clinical testing. Allele origin: germline. Affected: yes.
Comment: Has not been previously published as pathogenic or benign to our knowledge; Not observed at significant frequency in large population cohorts (Lek et al., 2016); In silico analysis supports that this missense variant has a deleterious effect on protein structure/function; This variant is associated with the following publications: (PMID: 27535533)

Eurofins Ntd Llc (ga)
Classification: Uncertain significance. Last evaluated: 2017-04-03. Review status: criteria provided, single submitter. Criteria: EGL Classification Definitions 2015. Collection method: clinical testing. Allele origin: germline. Observed: 1 variant allele, 1 heterozygote.